The following is an entry in ClinVar:

NM_015557.3(CHD5):c.1018A>T (p.Thr340Ser)

Gene: CHD5 (chromodomain helicase DNA binding protein 5; minus strand). Cytogenetic location: 1p36.31.
Variant type: single nucleotide variant.
Coding change: c.1018A>T on transcript NM_015557.3 (MANE Select); coding-DNA position 1018, A replaced by T.
Protein change: p.Thr340Ser; replaces threonine 340 with serine.
Molecular consequence: missense variant.
Genome position (GRCh38, 1-based): chr1:6,149,389, T>A on the plus strand (A>T on the coding strand, the complement: CHD5 is on the minus strand). VCF-style: chr1-6149389-T-A. GRCh37 (hg19) VCF-style: chr1-6209449-T-A.
Other names: short protein forms T340S.
Identifiers: ClinVar variation 2631294 (VCV002631294.1), dbSNP rs2525427810, ClinGen allele CA338085878.
Genomic context (GRCh38, chr1:6,149,389, plus strand): 5'-TGTCGCACAGGATGATCTCCCCACCCTGCTGGCACACCTCACAGTAATCCTGGTGGTCTG[T>A]CTCATAGCCGTCACCATCATCAACTAGGGTAGGGGAGAGGCAGTCATGGAAGTCCTCATC-3'
Protein context (NP_056372.1, residues 330-350): KRIDDGDGYE[Thr340Ser]DHQDYCEVCQ

ClinVar aggregate classification (germline): Uncertain significance (1 of 4 stars; one submission).

Conditions:
CHD5-related disorder. Also called: CHD5-related condition.

Allele frequency attached by ClinVar (database versions not stated): gnomAD exomes below 0.00001.
gnomAD v4.1: 2 of 1,611,258 alleles (0.00012%); highest among the groups gnomAD compares: Non-Finnish European, 0.00017%; no homozygotes.

Submission:

PreventionGenetics, part of Exact Sciences
Classification: Uncertain significance for CHD5-related condition. Last evaluated: 2023-07-27. Review status: criteria provided, single submitter. Criteria: ACMG Guidelines, 2015. Collection method: clinical testing. Allele origin: germline.
Comment: The CHD5 c.1018A>T variant is predicted to result in the amino acid substitution p.Thr340Ser. To our knowledge, this variant has not been reported in the literature or in a large population database, indicating this variant is rare. At this time, the clinical significance of this variant is uncertain due to the absence of conclusive functional and genetic evidence.